The following is an entry in ClinVar:

NM_000701.8(ATP1A1):c.1696C>G (p.Pro566Ala)

Genes: ATP1A1 (ATPase Na+/K+ transporting subunit alpha 1; plus strand), ATP1A1-AS1 (ATP1A1 antisense RNA 1; minus strand). Cytogenetic location: 1p13.1.
Variant type: single nucleotide variant.
Coding change: c.1696C>G on transcript NM_000701.8 (MANE Select); coding-DNA position 1696, C replaced by G.
Protein change: p.Pro566Ala; replaces proline 566 with alanine.
Molecular consequence: missense variant.
Genome position (GRCh38, 1-based): chr1:116,395,145, C>G. VCF-style: chr1-116395145-C-G. GRCh37 (hg19) VCF-style: chr1-116937767-C-G.
Other names: c.1696C>G, p.Pro566Ala (NM_001160233.2); c.1603C>G, p.Pro535Ala (NM_001160234.2); short protein forms P535A, P566A.
Identifiers: ClinVar variation 4527630 (VCV004527630.1).

ClinVar aggregate classification (germline): Uncertain significance (1 of 4 stars; one submission).

gnomAD v4.1: 1 of 1,614,074 alleles (0.000062%); highest among the groups gnomAD compares: African/African-American, 0.0013%; no homozygotes.

Submission:

GeneDx
Classification: Uncertain significance. Last evaluated: 2025-04-25. Review status: criteria provided, single submitter. Criteria: GeneDx Variant Classification Process June 2021. Collection method: clinical testing. Allele origin: germline. Affected: yes.
Comment: Not observed at significant frequency in large population cohorts (gnomAD); In silico analysis supports that this missense variant has a deleterious effect on protein structure/function; Has not been previously published as pathogenic or benign to our knowledge